The following is an entry in ClinVar:

ClinVar aggregate classification (germline): Uncertain significance (1 of 4 stars; one submission).

Conditions:
Fanconi anemia (FA). Also called: Fanconi's anemia. Identifiers: Orphanet 84, MedGen C0015625, MeSH D005199, MONDO:0019391.

Submission:

Labcorp Genetics (formerly Invitae), Labcorp
Classification: Uncertain significance for Fanconi anemia. Last evaluated: 2023-06-03. Review status: criteria provided, single submitter. Criteria: Invitae Variant Classification Sherloc (09022015). Collection method: clinical testing. Allele origin: germline.
Comment: This variant is not present in population databases (gnomAD no frequency). In summary, the available evidence is currently insufficient to determine the role of this variant in disease. Therefore, it has been classified as a Variant of Uncertain Significance. Advanced modeling of protein sequence and biophysical properties (such as structural, functional, and spatial information, amino acid conservation, physicochemical variation, residue mobility, and thermodynamic stability) performed at Invitae indicates that this missense variant is not expected to disrupt FANCA protein function. This variant has not been reported in the literature in individuals affected with FANCA-related conditions. This sequence change replaces glutamic acid, which is acidic and polar, with glycine, which is neutral and non-polar, at codon 260 of the FANCA protein (p.Glu260Gly).

NM_000135.4(FANCA):c.779A>G (p.Glu260Gly)

Gene: FANCA (FA complementation group A; minus strand). Cytogenetic location: 16q24.3.
Variant type: single nucleotide variant.
Coding change: c.779A>G on transcript NM_000135.4 (MANE Select); coding-DNA position 779, A replaced by G.
Protein change: p.Glu260Gly; replaces glutamic acid 260 with glycine.
Molecular consequence: missense variant.
Genome position (GRCh38, 1-based): chr16:89,803,272, T>C on the plus strand (A>G on the coding strand, the complement: FANCA is on the minus strand). VCF-style: chr16-89803272-T-C. GRCh37 (hg19) VCF-style: chr16-89869680-T-C.
Other names: c.779A>G, p.Glu260Gly (NM_001018112.3, NM_001286167.3); c.683A>G, p.Glu228Gly (NM_001351830.2); short protein forms E260G, E228G.
Identifiers: ClinVar variation 2764329 (VCV002764329.3), dbSNP rs2544321948, ClinGen allele CA397475966.
Genomic context (GRCh38, chr16:89,803,272, plus strand): 5'-AAGGACGGCTCCTTCCGCTAAACTCTTCACTTGACTTTTCCTCCTACCTGCGGCATTTTT[T>C]CAGGCTCCACAGTTCTTCTCAGATCTGAGTTTTTCTGAAATCCCCTCAAAACAAACATTT-3'
Protein context (NP_000126.2, residues 250-270): NSDLRRTVEP[Glu260Gly]KMPQVTVDVL